The following is an entry in ClinVar:

ClinVar aggregate classification (germline): Uncertain significance (1 of 4 stars; one submission).

Conditions:
Hereditary cancer-predisposing syndrome. Also called: Tumor predisposition; Hereditary Cancer Syndrome; Hereditary neoplastic syndrome; Neoplastic Syndromes, Hereditary. Identifiers: Orphanet 140162, MedGen C0027672, MeSH D009386, MONDO:0015356.

Submission:

Ambry Genetics
Classification: Uncertain significance for Hereditary cancer-predisposing syndrome. Last evaluated: 2023-07-27. Review status: criteria provided, single submitter. Criteria: Ambry Variant Classification Scheme 2023. Collection method: clinical testing. Allele origin: germline.
Comment: The p.A97V variant (also known as c.290C>T), located in coding exon 2 of the TMEM127 gene, results from a C to T substitution at nucleotide position 290. The alanine at codon 97 is replaced by valine, an amino acid with similar properties. This amino acid position is conserved. In addition, the in silico prediction for this alteration is inconclusive. Since supporting evidence is limited at this time, the clinical significance of this alteration remains unclear.

NM_017849.4(TMEM127):c.290C>T (p.Ala97Val)

Gene: TMEM127 (transmembrane protein 127; minus strand). Cytogenetic location: 2q11.2.
Variant type: single nucleotide variant.
Coding change: c.290C>T on transcript NM_017849.4 (MANE Select); coding-DNA position 290, C replaced by T.
Protein change: p.Ala97Val; replaces alanine 97 with valine.
Molecular consequence: missense variant.
Genome position (GRCh38, 1-based): chr2:96,254,952, G>A on the plus strand (C>T on the coding strand, the complement: TMEM127 is on the minus strand). VCF-style: chr2-96254952-G-A. GRCh37 (hg19) VCF-style: chr2-96920690-G-A.
Other names: c.290C>T, p.Ala97Val (NM_001193304.3); c.38C>T, p.Ala13Val (NM_001407282.1, NM_001407283.1); short protein forms A13V, A97V.
Identifiers: ClinVar variation 2625508 (VCV002625508.2), dbSNP rs866063775, ClinGen allele CA52413079.